The following is an entry in ClinVar:

NM_000038.6(APC):c.4264G>C (p.Asp1422His)

Gene: APC (APC regulator of Wnt signaling pathway; plus strand). Cytogenetic location: 5q22.2.
Variant type: single nucleotide variant.
Coding change: c.4264G>C on transcript NM_000038.6 (MANE Select); coding-DNA position 4264, G replaced by C.
Protein change: p.Asp1422His; replaces aspartic acid 1422 with histidine.
Molecular consequence: missense variant. On other transcripts: non-coding transcript variant (2).
Genome position (GRCh38, 1-based): chr5:112,839,858, G>C. VCF-style: chr5-112839858-G-C. GRCh37 (hg19) VCF-style: chr5-112175555-G-C.
Other names: c.4264G>C, p.Asp1422His (NM_001127510.3, NM_001354895.2, NM_001407450.1); c.4210G>C, p.Asp1404His (NM_001127511.3); c.4318G>C, p.Asp1440His (NM_001354896.2, NM_001407447.1, NM_001407448.1 and 1 more transcripts); c.4294G>C, p.Asp1432His (NM_001354897.2); c.4189G>C, p.Asp1397His (NM_001354898.2); c.4180G>C, p.Asp1394His (NM_001354899.2); c.4141G>C, p.Asp1381His (NM_001354900.2); c.4087G>C, p.Asp1363His (NM_001354901.2, NM_001407453.1); and 11 more; short protein forms D1139H, D1296H, D1321H, D1397H, D1440H, D1262H, D1293H, D1331H.
Identifiers: ClinVar variation 4766451 (VCV004766451.1).

ClinVar aggregate classification (germline): Uncertain significance (1 of 4 stars; one submission).

Conditions:
Familial adenomatous polyposis 1 (FAP1). Also called: FAMILIAL ADENOMATOUS POLYPOSIS 1, ATTENUATED; POLYPOSIS, ADENOMATOUS INTESTINAL. Identifiers: MedGen C2713442, MONDO:0021056, OMIM 175100. Disease mechanism: loss of function.

Submission:

Labcorp Genetics (formerly Invitae), Labcorp
Classification: Uncertain significance for Familial adenomatous polyposis 1. Last evaluated: 2025-12-13. Review status: criteria provided, single submitter. Criteria: Invitae Variant Classification Sherloc (09022015). Collection method: clinical testing. Allele origin: germline.
Comment: This sequence change replaces aspartic acid, which is acidic and polar, with histidine, which is basic and polar, at codon 1422 of the APC protein (p.Asp1422His). This variant is not present in population databases (gnomAD no frequency). This variant has not been reported in the literature in individuals affected with APC-related conditions. Invitae Evidence Modeling of protein sequence and biophysical properties (such as structural, functional, and spatial information, amino acid conservation, physicochemical variation, residue mobility, and thermodynamic stability) indicates that this missense variant is not expected to disrupt APC protein function with a negative predictive value of 95%. In summary, the available evidence is currently insufficient to determine the role of this variant in disease. Therefore, it has been classified as a Variant of Uncertain Significance.